The following is an entry in ClinVar:

ClinVar aggregate classification (germline): Likely pathogenic (1 of 4 stars; one submission).

Conditions:
Dilated cardiomyopathy 1G (CMD1G). Identifiers: Orphanet 154, MedGen C1858763, MONDO:0011400, OMIM 604145.
Autosomal recessive limb-girdle muscular dystrophy type 2J (LGMDR10). Also called: Limb-girdle muscular dystrophy, type 2J; MUSCULAR DYSTROPHY, LIMB-GIRDLE, AUTOSOMAL RECESSIVE 10. Identifiers: Orphanet 140922, MedGen C1837342, MONDO:0012127, OMIM 608807.

Submission:

Labcorp Genetics (formerly Invitae), Labcorp
Classification: Likely pathogenic for Dilated cardiomyopathy 1G; Limb-girdle muscular dystrophy, type 2J. Last evaluated: 2018-12-19. Review status: criteria provided, single submitter. Criteria: Invitae Variant Classification Sherloc (09022015). Collection method: clinical testing. Allele origin: germline.
Comment: This variant is an in-frame deletion of the genomic region encompassing part of exon 326, including the exon 326-intron 326 boundaryÂ¬â€ of the TTN gene (c.86354_86821+291del). While this is not anticipated to result in nonsense mediated decay, it is expected to create a truncated TTN protein. This variant has not been reported in the literature in individuals with TTN-related disease. This variant is located in the A band of TTN (PMID: 25589632). Truncating variants in this region are significantly overrepresented in patients affected with dilated cardiomyopathy (PMID: 25589632). Truncating variants in this region have also been reported in individuals affected with autosomal recessive centronuclear myopathy (PMID: 23975875). In summary, the currently available evidence indicates that the variant is pathogenic, but additional data are needed to prove that conclusively. Therefore, this variant has been classified as Likely Pathogenic.

Literature cited by the submitters: PubMed 25589632; PubMed 23975875.

NM_001267550.2(TTN):c.86354_86821+291del

Genes: TTN (titin; minus strand), TTN-AS1 (TTN antisense RNA 1; plus strand). Cytogenetic location: 2q31.2.
Variant type: Deletion.
Coding change: c.86354_86821+291del on transcript NM_001267550.2 (MANE Select); coding-DNA position 86354 through 291 bases into the intron after coding-DNA position 86821, 759 bases deleted.
Molecular consequence: splice donor variant.
Genome position (GRCh38, 1-based): chr2:178,559,020-178,559,778, 759 bases deleted. GRCh37 (hg19): chr2:179,423,749-179,424,507.
Other names: c.59159_59626+291del (NM_003319.4); c.59735_60202+291del (NM_133437.4); c.59534_60001+291del (NM_133432.3); c.78650_79117+291del (NM_133378.4); c.81431_81898+291del (NM_001256850.1).
Identifiers: ClinVar variation 571510 (VCV000571510.2), dbSNP rs1559272130, ClinGen allele CA891843230.